The following is an entry in ClinVar:

ClinVar aggregate classification (germline): Uncertain significance (1 of 4 stars; one submission).

Conditions:
Primary ciliary dyskinesia 3. Identifiers: Orphanet 244, MedGen C1837618, MONDO:0012085, OMIM 608644.

Allele frequency attached by ClinVar (database versions not stated): ExAC 0.00019.

Submission:

Baylor Genetics
Classification: Uncertain significance for Primary ciliary dyskinesia 3. Last evaluated: 2019-07-16. Review status: criteria provided, single submitter. Criteria: ACMG Guidelines, 2015. Collection method: clinical testing. Allele origin: unknown. Affected: yes.
Comment: This variant was determined to be of uncertain significance according to ACMG Guidelines, 2015 [PMID:25741868].

NM_001369.3(DNAH5):c.2581C>T (p.Leu861Phe)

Genes: DNAH5 (dynein axonemal heavy chain 5; minus strand), DNAH5-AS1 (DNAH5 antisense RNA 1; plus strand). Cytogenetic location: 5p15.2.
Variant type: single nucleotide variant.
Coding change: c.2581C>T on transcript NM_001369.3 (MANE Select); coding-DNA position 2581, C replaced by T.
Protein change: p.Leu861Phe; replaces leucine 861 with phenylalanine.
Molecular consequence: missense variant.
Genome position (GRCh38, 1-based): chr5:13,886,126, G>A on the plus strand (C>T on the coding strand, the complement: DNAH5 is on the minus strand). VCF-style: chr5-13886126-G-A. GRCh37 (hg19) VCF-style: chr5-13886235-G-A.
Other names: short protein forms L861F.
Identifiers: ClinVar variation 1027909 (VCV001027909.1), dbSNP rs753213789, ClinGen allele CA3204530.